The following is an entry in ClinVar:

NM_001540.5(HSPB1):c.544C>G (p.Pro182Ala)

Gene: HSPB1 (heat shock protein family B (small) member 1; plus strand). Cytogenetic location: 7q11.23.
Variant type: single nucleotide variant.
Coding change: c.544C>G on transcript NM_001540.5 (MANE Select); coding-DNA position 544, C replaced by G.
Protein change: p.Pro182Ala; replaces proline 182 with alanine.
Molecular consequence: missense variant.
Genome position (GRCh38, 1-based): chr7:76,304,099, C>G. VCF-style: chr7-76304099-C-G. GRCh37 (hg19) VCF-style: chr7-75933416-C-G.
Other names: chr7: 76304099C>G; p.Pro182Ala; short protein forms P182A.
Identifiers: ClinVar variation 946496 (VCV000946496.34), dbSNP rs104894020, ClinGen allele CA367766359.
Genomic context (GRCh38, chr7:76,304,099, plus strand): 5'-ACACTGACCGTGGAGGCCCCCATGCCCAAGCTAGCCACGCAGTCCAACGAGATCACCATC[C>G]CAGTCACCTTCGAGTCGCGGGCCCAGCTTGGGGGCCCAGAAGCTGCAAAATCCGATGAGA-3'
Protein context (NP_001531.1, residues 172-192): LATQSNEITI[Pro182Ala]VTFESRAQLG

ClinVar aggregate classification (germline): Pathogenic/Likely pathogenic. Review status: criteria provided, multiple submitters, no conflicts (2 of 4 stars). 3 submissions from 3 submitters: Pathogenic (2); Likely pathogenic (1). Last evaluated 2026-09-01.

Conditions:
Charcot-Marie-Tooth disease axonal type 2F (CMT2F). Also called: CHARCOT-MARIE-TOOTH DISEASE, NEURONAL, TYPE 2F; Charcot-Marie-Tooth Neuropathy Type 2F. Identifiers: Orphanet 99940, MedGen C1847823, MONDO:0011687, OMIM 606595.

Submissions (3):

CeGaT Center for Human Genetics Tuebingen
Classification: Likely pathogenic. Last evaluated: 2026-09-01. Review status: criteria provided, single submitter. Criteria: CeGaT Center For Human Genetics Tuebingen Variant Classification Criteria Version 2. Collection method: clinical testing. Allele origin: germline. Affected: yes. Observed: 1 variant allele.
Comment: HSPB1: PM2, PM5, PS4:Moderate

Laboratório de Neurologia Aplicada e Experimental, Faculdade de Medicina de Ribeirao Preto – Universidade de Sao Paulo
Classification: Pathogenic for Charcot-Marie-Tooth disease axonal type 2F. Last evaluated: 2021-07-20. Review status: criteria provided, single submitter. Criteria: ACMG Guidelines, 2015. Collection method: research. Allele origin: germline. Inheritance: Autosomal dominant inheritance. Affected: yes. Observed: 1 heterozygote.
Comment: 4. The p.Pro182Ala variant in HSPB1 has already been described in the literature and is one of the three pathogenic variants at this amino acid residue (p.Pro182Leu and p.Pro182Ser). Patients usually present with an AD-CMT2F (OMIM: 606595) or an exclusively motor neuropathy (AD-dHMN2B; OMIM: 608634) with variable age of onset (6-54 years). ClinVar classifies this variant as Pathogenic (Variation ID: 946496), 1 star (criteria provided, 1 submission), citing 5 articles (29381233, 27816334, 25220807, 18325928 and 16155736). This variant is in a hotspot region and an important functional domain of the protein (C-terminal' anchoring motif'). This amino acid residue is highly conserved in different species. Besides that, this variant segregates with family phenotype. In summary, the p.Pro182Ala meets our criteria to be classified as pathogenic.

Labcorp Genetics (formerly Invitae), Labcorp
Classification: Pathogenic for Charcot-Marie-Tooth disease axonal type 2F. Last evaluated: 2019-06-04. Review status: criteria provided, single submitter. Criteria: Invitae Variant Classification Sherloc (09022015). Collection method: clinical testing. Allele origin: germline.
Comment: This variant is not present in population databases (ExAC no frequency). This variant has been observed to segregate with hereditary motor neuropathy in two families (PMID: 27816334, 29381233). Algorithms developed to predict the effect of missense changes on protein structure and function are either unavailable or do not agree on the potential impact of this missense change (SIFT: "Deleterious"; PolyPhen-2: "Probably Damaging"; Align-GVGD: "Class C0"). This variant disrupts the p.Pro182 amino acid residue in HSPB1. Other variant(s) that disrupt this residue have been determined to be pathogenic (PMID: 18325928, 27816334, 29381233, 16155736, 25220807). This suggests that this residue is clinically significant, and that variants that disrupt this residue are likely to be disease-causing. For these reasons, this variant has been classified as Pathogenic. This sequence change replaces proline with alanine at codon 182 of the HSPB1 protein (p.Pro182Ala). The proline residue is highly conserved and there is a small physicochemical difference between proline and alanine.

Literature cited by the submitters: PubMed 27816334 (cited by Laboratório de Neurologia Aplicada e Experimental, Faculdade de Medicina de Ribeirao Preto – Universidade de Sao Paulo and Labcorp Genetics (formerly Invitae), Labcorp); PubMed 29381233 (cited by Laboratório de Neurologia Aplicada e Experimental, Faculdade de Medicina de Ribeirao Preto – Universidade de Sao Paulo and Labcorp Genetics (formerly Invitae), Labcorp); PubMed 16155736 (cited by Laboratório de Neurologia Aplicada e Experimental, Faculdade de Medicina de Ribeirao Preto – Universidade de Sao Paulo and Labcorp Genetics (formerly Invitae), Labcorp); PubMed 32298515 (cited by Laboratório de Neurologia Aplicada e Experimental, Faculdade de Medicina de Ribeirao Preto – Universidade de Sao Paulo); PubMed 25220807 (cited by Laboratório de Neurologia Aplicada e Experimental, Faculdade de Medicina de Ribeirao Preto – Universidade de Sao Paulo and Labcorp Genetics (formerly Invitae), Labcorp); PubMed 18325928 (cited by Laboratório de Neurologia Aplicada e Experimental, Faculdade de Medicina de Ribeirao Preto – Universidade de Sao Paulo and Labcorp Genetics (formerly Invitae), Labcorp); PubMed 15122254 (cited by Laboratório de Neurologia Aplicada e Experimental, Faculdade de Medicina de Ribeirao Preto – Universidade de Sao Paulo).